The following is an entry in ClinVar:

NM_080425.4(GNAS):c.1380_1415dup (p.Pro471_Glu472insAspAlaProAlaAspProAspAlaGlyAlaAlaPro)

Gene: GNAS (GNAS complex locus; plus strand). Cytogenetic location: 20q13.32.
Variant type: Duplication.
Coding change: c.1380_1415dup on transcript NM_080425.4 (MANE Plus Clinical); coding-DNA positions 1380 to 1415, 36 bases duplicated.
Protein change: p.Pro471_Glu472insAspAlaProAlaAspProAspAlaGlyAlaAlaPro.
Molecular consequence: inframe insertion. On other transcripts: intron variant (3).
Genome position (GRCh38, 1-based): chr20:58,854,645-58,854,680, 36 bases duplicated; duplicating any 36 consecutive bases within chr20:58,854,629-58,854,680 gives the same sequence; the c. name uses the placement nearest the transcript's 3' end. GRCh37 (hg19): chr20:57,429,700-57,429,735.
Other names: c.1193_1228dup, p.Leu409_Arg410insThrProGlnProIleGlnMetProGlyArgProLeu (NM_001077490.3, NM_001309883.1); c.1380_1415dup, p.Pro471_Glu472insAspAlaProAlaAspProAspAlaGlyAlaAlaPro (NM_001410913.1); c.*42+13759_*42+13794dup (NM_016592.5); c.43+13759_43+13794dup (NM_001410912.1); c.-39+12770_-39+12805dup (NM_001309861.2).
Identifiers: ClinVar variation 4991918 (VCV004991918.1).
Genomic context (GRCh38, chr20:58,854,628, plus strand): 5'-CCTGCCGCCCCAGCCGATCCCGACTCCGGGGCGGCCCCTGACGCCCCAGCCGATCCCGAC[T>TCCGGGGCGGCCCCTGACGCCCCAGCCGATCCAGATG]CCGGGGCGGCCCCTGACGCCCCAGCCGATCCAGATGCCGGGGCGGCCCCTGAGGCTCCCG-3'

ClinVar aggregate classification (germline): Uncertain significance (1 of 4 stars; one submission).

Conditions:
GNAS-related disorder. Identifiers: MedGen CN380105.

Submission:

PreventionGenetics, part of Exact Sciences
Classification: Uncertain significance for GNAS-related condition. Last evaluated: 2025-10-13. Review status: criteria provided, single submitter. Criteria: ACMG Guidelines, 2015. Collection method: clinical testing. Allele origin: germline.
Comment: The GNAS c.1380_1415dup36 variant is predicted to result in an in-frame duplication (p.Asp460_Pro471dup). To our knowledge, this variant has not been reported in the literature or in a large population database (gnomAD), indicating this variant is rare. In the primary transcript NM_000516.5, this variant is located in a pre-coding region (c.-37082_-37047dup36). At this time, the clinical significance of this variant is uncertain due to the absence of conclusive functional and genetic evidence.